The following is an entry in ClinVar:

ClinVar aggregate classification (germline): Conflicting classifications of pathogenicity. Review status: criteria provided, conflicting classifications (1 of 4 stars). 6 submissions from 6 submitters: Uncertain significance (5); Likely benign (1). Last evaluated 2026-02-19.

Conditions:
Arrhythmogenic cardiomyopathy with wooly hair and keratoderma. Also called: Dilated cardiomyopathy with woolly hair and keratoderma; Arrhythmogenic cardiomyopathy with woolly hair and keratoderma; PALMOPLANTAR KERATODERMA WITH LEFT VENTRICULAR CARDIOMYOPATHY AND WOOLLY HAIR; Carvajal syndrome. Identifiers: Orphanet 65282, MedGen C1854063, MONDO:0011581, OMIM 605676.
Keratosis palmoplantaris striata 2. Also called: Keratosis palmoplantaris striata II; KERATODERMA, PALMOPLANTAR, STRIATE FORM II; STRIATE PALMOPLANTAR KERATODERMA II. Identifiers: MedGen C1852127, MONDO:0013034, OMIM 612908.
Woolly hair-skin fragility syndrome (WHSF). Identifiers: Orphanet 293165, MedGen C1843292, MONDO:0957307, OMIM 620415.
Lethal acantholytic epidermolysis bullosa (EBLA). Identifiers: Orphanet 158687, MedGen C1864826, MONDO:0012323, OMIM 609638.
Arrhythmogenic right ventricular dysplasia 8 (ARVD8). Also called: Arrhythmogenic Right Ventricular Dysplasia/Cardiomyopathy 8; ARRHYTHMOGENIC RIGHT VENTRICULAR DYSPLASIA, FAMILIAL, 8; ARRHYTHMOGENIC RIGHT VENTRICULAR CARDIOMYOPATHY 8. Identifiers: MedGen C1843896, MONDO:0011831, OMIM 607450.
Cardiomyopathy, dilated, with wooly hair, keratoderma, and tooth agenesis. Also called: Cardiomyopathy, dilated, with woolly hair, keratoderma, and tooth agenesis; Erythrokeratodermia-cardiomyopathy syndrome. Identifiers: Orphanet 476096, Orphanet 65282, MedGen C4014393, MONDO:0014355, OMIM 615821.
DSP-related disorder. Also called: DSP-related condition; DSP-related disorders.
Cardiovascular phenotype. Identifiers: MedGen CN230736.

Allele frequency attached by ClinVar (database versions not stated): gnomAD exomes below 0.00001 and 0.00001; gnomAD 0.00001; TOPMed 0.00001.
gnomAD v4.1: 6 of 1,614,082 alleles (0.00037%); highest among the groups gnomAD compares: Admixed American, 0.0067%; no homozygotes.

Submissions (6):

PreventionGenetics, part of Exact Sciences
Classification: Uncertain significance for DSP-related condition. Last evaluated: 2026-02-19. Review status: criteria provided, single submitter. Criteria: ACMG Guidelines, 2015. Collection method: clinical testing. Allele origin: germline.
Comment: The DSP c.1564C>G variant is predicted to result in the amino acid substitution p.Leu522Val. To our knowledge, this variant has not been reported in the literature. This variant is reported in 0.0085% of alleles in individuals of Latino descent in gnomAD. At this time, the clinical significance of this variant is uncertain due to the absence of conclusive functional and genetic evidence.

Labcorp Genetics (formerly Invitae), Labcorp
Classification: Likely benign for Arrhythmogenic cardiomyopathy with wooly hair and keratoderma; Arrhythmogenic right ventricular dysplasia 8. Last evaluated: 2025-03-30. Review status: criteria provided, single submitter. Criteria: Invitae Variant Classification Sherloc (09022015). Collection method: clinical testing. Allele origin: germline.

All of Us Research Program, National Institutes of Health
Classification: Uncertain significance for Arrhythmogenic cardiomyopathy with wooly hair and keratoderma. Last evaluated: 2023-12-18. Review status: criteria provided, single submitter. Criteria: ACMG Guidelines, 2015. Collection method: clinical testing. Allele origin: germline. Inheritance: Autosomal dominant inheritance. Observed: 4 variant alleles, 4 heterozygotes.
Comment: This missense variant replaces leucine with valine at codon 522 of the DSP protein. Computational prediction suggests that this variant may not impact protein structure and function (internally defined REVEL score threshold <= 0.5, PMID: 27666373). To our knowledge, functional studies have not been reported for this variant. This variant has not been reported in individuals affected with DSP-related disorders in the literature. This variant has been identified in 3/282766 chromosomes in the general population by the Genome Aggregation Database (gnomAD). The available evidence is insufficient to determine the role of this variant in disease conclusively. Therefore, this variant is classified as a Variant of Uncertain Significance.

This study involves interpretation of variants in research participants for the purpose of population health screening. Participant phenotype was not available at the time of variant classification. Additional details can be found in publication PMID: 35346344, PMCID: PMC8962531

Blueprint Genetics
Classification: Uncertain significance. Last evaluated: 2023-03-13. Review status: criteria provided, single submitter. Criteria: ACMG Guidelines, 2015. Collection method: clinical testing. Allele origin: germline.

Fulgent Genetics
Classification: Uncertain significance for Arrhythmogenic cardiomyopathy with wooly hair and keratoderma; Arrhythmogenic right ventricular dysplasia 8; Lethal acantholytic epidermolysis bullosa; Keratosis palmoplantaris striata 2; Cardiomyopathy, dilated, with wooly hair, keratoderma, and tooth agenesis. Last evaluated: 2021-10-20. Review status: criteria provided, single submitter. Criteria: ACMG Guidelines, 2015. Collection method: clinical testing. Allele origin: unknown.

Ambry Genetics
Classification: Uncertain significance for Cardiovascular phenotype. Last evaluated: 2021-04-12. Review status: criteria provided, single submitter. Criteria: Ambry Variant Classification Scheme 2023. Collection method: clinical testing. Allele origin: germline.
Comment: The p.L522V variant (also known as c.1564C>G), located in coding exon 12 of the DSP gene, results from a C to G substitution at nucleotide position 1564. The leucine at codon 522 is replaced by valine, an amino acid with highly similar properties. This amino acid position is highly conserved in available vertebrate species. In addition, this alteration is predicted to be tolerated by in silico analysis. Since supporting evidence is limited at this time, the clinical significance of this alteration remains unclear.

NM_004415.4(DSP):c.1564C>G (p.Leu522Val)

Gene: DSP (desmoplakin; plus strand). Cytogenetic location: 6p24.3.
Variant type: single nucleotide variant.
Coding change: c.1564C>G on transcript NM_004415.4 (MANE Select); coding-DNA position 1564, C replaced by G.
Protein change: p.Leu522Val; replaces leucine 522 with valine.
Molecular consequence: missense variant.
Genome position (GRCh38, 1-based): chr6:7,569,330, C>G. VCF-style: chr6-7569330-C-G. GRCh37 (hg19) VCF-style: chr6-7569563-C-G.
Other names: c.1564C>G, p.Leu522Val (NM_001008844.3, NM_001319034.2); c.1564C>G (NM_004415.3, LRG_423t1); short protein forms L522V.
Identifiers: ClinVar variation 577872 (VCV000577872.15), dbSNP rs1230995902, ClinGen allele CA362677850.
Genomic context (GRCh38, chr6:7,569,330, plus strand): 5'-GACATGCTTGTTCCCTCTGTGGGGCTGATCATCCCTCCTCCGAACCCACTGGCCGTGGAC[C>G]TCTCTTGCAAGTAAGTCATCCAAGTTCCCAAAGCCACGCATGCACGCATGAATGTGAGGG-3'
Protein context (NP_004406.2, residues 512-532): IPPPNPLAVD[Leu522Val]SCKIEQYYEA